The following is an entry in ClinVar:

ClinVar aggregate classification (germline): Uncertain significance (1 of 4 stars; one submission).

Conditions:
Developmental and epileptic encephalopathy, 11 (DEE11). Also called: Early infantile epileptic encephalopathy 11. Identifiers: Orphanet 1934, MedGen C3150987, MONDO:0013388, OMIM 613721.

Submission:

Neuberg Centre For Genomic Medicine, NCGM
Classification: Uncertain significance for Developmental and epileptic encephalopathy, 11. Review status: criteria provided, single submitter. Criteria: ACMG Guidelines, 2015. Collection method: clinical testing. Allele origin: germline. Affected: yes.
Comment: The missense variant c.4022T>C (p.Leu1341Pro) in SCN2A gene has been previously reported in heterozygous state in a patient affected with infantile epileptic encephalopathy‐11 (EIEE11) and benign familial infantile seizures type 3 (Ekici et al. 2020). The p.Leu1341Pro variant is novel (not in any individuals) in gnomAD Exomes and 1000 Genomes. The amino acid Leu at position 1341 is changed to a Pro changing protein sequence and it might alter its composition and physico-chemical properties. The variant is predicted to be damaging by both SIFT and PolyPhen2. The residue is conserved across species. The amino acid change p.Leu1341Pro in SCN2A is predicted as conserved by GERP++ and PhyloP across 100 vertebrates. For these reasons, this variant has been classified as Uncertain Significance.

NM_001040142.2(SCN2A):c.4022T>C (p.Leu1341Pro)

Gene: SCN2A (sodium voltage-gated channel alpha subunit 2; plus strand). Cytogenetic location: 2q24.3.
Variant type: single nucleotide variant.
Coding change: c.4022T>C on transcript NM_001040142.2 (MANE Select); coding-DNA position 4022, T replaced by C.
Protein change: p.Leu1341Pro; replaces leucine 1341 with proline.
Molecular consequence: missense variant.
Genome position (GRCh38, 1-based): chr2:165,374,734, T>C. VCF-style: chr2-165374734-T-C. GRCh37 (hg19) VCF-style: chr2-166231244-T-C.
Other names: c.4022T>C, p.Leu1341Pro (NM_001040143.2, NM_001371246.1, NM_001371247.1 and 1 more transcripts); short protein forms L1341P.
Identifiers: ClinVar variation 1878572 (VCV001878572.1), dbSNP rs2468102218, ClinGen allele CA349030332.